The following is an entry in ClinVar:

ClinVar aggregate classification (germline): Conflicting classifications of pathogenicity. Review status: criteria provided, conflicting classifications (1 of 4 stars). 12 submissions from 9 submitters: Likely pathogenic (1); Uncertain significance (6); Likely benign (2). 3 of the submissions do not count toward it. Last evaluated 2026-08-27.

Conditions:
Optic atrophy. Identifiers: MedGen C0029124, MONDO:0003608, HP:0000648.
Joubert syndrome 9 (JBTS9). Identifiers: Orphanet 2318, MedGen C2676788, MONDO:0012849, OMIM 612285.
CC2D2A-related disorder. Also called: CC2D2A-related disorders; CC2D2A-related condition. Identifiers: MedGen CN239313.
Retinal dystrophy. Also called: Inherited retinal dystrophy. Identifiers: Orphanet 71862, MedGen C0854723, MeSH D058499, MONDO:0019118, HP:0000556.
COACH syndrome 1. Identifiers: Orphanet 1454, MedGen C5435651, MONDO:0800103, OMIM 216360, MONDO:0008996.
Meckel syndrome, type 6. Identifiers: Orphanet 564, MedGen C2676790, MONDO:0012848, OMIM 612284.
Joubert syndrome. Also called: Familial aplasia of the vermis; JOUBERT-BOLTSHAUSER SYNDROME. Identifiers: Orphanet 475, MedGen C5979921, MONDO:0018772.
Meckel-Gruber syndrome. Also called: Dysencephalia splachnocystica; DYSENCEPHALIA SPLANCHNOCYSTICA; GRUBER SYNDROME. Identifiers: Orphanet 564, MedGen C0265215, MONDO:0018921.

Allele frequency attached by ClinVar (database versions not stated): TOPMed 0.00047; ESP Exome Variant Server 0.00058; gnomAD exomes 0.00060 and 0.00078; gnomAD 0.00066 and 0.00067; ExAC 0.00091.
gnomAD v4.1: 957 of 1,593,356 alleles (0.06%); highest among the groups gnomAD compares: Non-Finnish European, 0.065%; 4 homozygotes.

Submissions (12):

GeneDx
Classification: Likely pathogenic. Last evaluated: 2026-08-27. Review status: criteria provided, single submitter. Criteria: GeneDx Variant Classification Process June 2021. Collection method: clinical testing. Allele origin: germline.
Comment: Reported in an individual in published literature; however, this individual was also noted to have additional variants in another gene which may explain the phenotype (PMID: 28392475); Also reported in an individual with anophthalmia, microphthalmia, or coloboma (PMID: 26130484); In silico analysis supports that this missense variant has a deleterious effect on protein structure/function; This variant is associated with the following publications: (PMID: 36319078, 26130484, 28392475)

Labcorp Genetics (formerly Invitae), Labcorp
Classification: Likely benign for Joubert syndrome; Meckel-Gruber syndrome. Last evaluated: 2026-02-01. Review status: criteria provided, single submitter. Criteria: Invitae Variant Classification Sherloc (09022015). Collection method: clinical testing. Allele origin: germline.

Mayo Clinic Laboratories, Mayo Clinic
Classification: Uncertain significance. Last evaluated: 2025-01-31. Review status: criteria provided, single submitter. Criteria: ACMG Guidelines, 2015. Collection method: clinical testing. Allele origin: germline. Observed: 2 variant alleles.
Comment: PM2_supporting

Blueprint Genetics
Classification: Likely benign. Last evaluated: 2024-10-15. Review status: criteria provided, single submitter. Criteria: ACMG Guidelines, 2015. Collection method: clinical testing. Allele origin: germline.

Fulgent Genetics
Classification: Uncertain significance for COACH syndrome 1; Meckel syndrome, type 6; Joubert syndrome 9. Last evaluated: 2018-10-31. Review status: criteria provided, single submitter. Criteria: ACMG Guidelines, 2015. Collection method: clinical testing. Allele origin: unknown.

Eurofins Ntd Llc (ga)
Classification: Uncertain significance. Last evaluated: 2017-06-28. Review status: criteria provided, single submitter. Criteria: EGL Classification Definitions 2015. Collection method: clinical testing. Allele origin: germline. Observed: 4 variant alleles, 4 heterozygotes.

Illumina Laboratory Services, Illumina
Classification: Uncertain significance for CC2D2A-Related Disorders. Last evaluated: 2017-04-27. Review status: criteria provided, single submitter. Criteria: ICSL Variant Classification Criteria 13 December 2019. Collection method: clinical testing. Allele origin: germline.

Illumina Laboratory Services, Illumina
Classification: Uncertain significance for Meckel syndrome, type 6. Last evaluated: 2017-04-27. Review status: criteria provided, single submitter. Criteria: ICSL Variant Classification Criteria 13 December 2019. Collection method: clinical testing. Allele origin: germline.

Illumina Laboratory Services, Illumina
Classification: Uncertain significance for Joubert syndrome 9. Last evaluated: 2017-04-27. Review status: criteria provided, single submitter. Criteria: ICSL Variant Classification Criteria 13 December 2019. Collection method: clinical testing. Allele origin: germline.

Institute of Human Genetics, Univ. Regensburg, Univ. Regensburg
Classification: Uncertain significance for Optic atrophy. Last evaluated: 2023-01-01. Review status: no assertion criteria provided. Criteria: ACMG Guidelines, 2015. Collection method: clinical testing. Allele origin: germline. Affected: yes. Not counted in ClinVar's aggregate classification.

Institute of Human Genetics, Univ. Regensburg, Univ. Regensburg
Classification: Uncertain significance for Retinal dystrophy. Last evaluated: 2023-01-01. Review status: no assertion criteria provided. Criteria: ACMG Guidelines, 2015. Collection method: clinical testing. Allele origin: germline. Affected: yes. Not counted in ClinVar's aggregate classification.

PreventionGenetics, part of Exact Sciences
Classification: Likely benign for CC2D2A-related condition. Last evaluated: 2022-02-07. Review status: no assertion criteria provided. Collection method: clinical testing. Allele origin: germline. Not counted in ClinVar's aggregate classification.
Comment: This variant is classified as likely benign based on ACMG/AMP sequence variant interpretation guidelines (Richards et al. 2015 PMID: 25741868, with internal and published modifications).

Literature cited by the submitters: PubMed 28392475 (cited by Mayo Clinic Laboratories, Mayo Clinic); PubMed 36319078 (cited by Mayo Clinic Laboratories, Mayo Clinic).

NM_001378615.1(CC2D2A):c.2326G>A (p.Gly776Arg)

Genes: CC2D2A (coiled-coil and C2 domain containing 2A; plus strand), FBXL5 (F-box and leucine rich repeat protein 5; minus strand). Cytogenetic location: 4p15.32.
Variant type: single nucleotide variant.
Coding change: c.2326G>A on transcript NM_001378615.1 (MANE Select); coding-DNA position 2326, G replaced by A.
Protein change: p.Gly776Arg; replaces glycine 776 with arginine.
Molecular consequence: missense variant.
Genome position (GRCh38, 1-based): chr4:15,550,968, G>A. VCF-style: chr4-15550968-G-A. GRCh37 (hg19) VCF-style: chr4-15552591-G-A.
Other names: p.Gly776Arg; c.2326G>A, p.Gly776Arg (NM_001080522.2); c.2179G>A, p.Gly727Arg (NM_001378617.1); short protein forms G776R, G727R.
Identifiers: ClinVar variation 238276 (VCV000238276.32), dbSNP rs200764366, ClinGen allele CA2863889.